The following is an entry in ClinVar:

NM_000179.3(MSH6):c.2105C>T (p.Ser702Leu)

Gene: MSH6 (mutS homolog 6; plus strand). Cytogenetic location: 2p16.3.
Variant type: single nucleotide variant.
Coding change: c.2105C>T on transcript NM_000179.3 (MANE Select); coding-DNA position 2105, C replaced by T.
Protein change: p.Ser702Leu; replaces serine 702 with leucine.
Molecular consequence: missense variant.
Genome position (GRCh38, 1-based): chr2:47,800,088, C>T. VCF-style: chr2-47800088-C-T. GRCh37 (hg19) VCF-style: chr2-48027227-C-T.
Other names: c.1715C>T, p.Ser572Leu (NM_001281492.2); c.1199C>T, p.Ser400Leu (NM_001281493.2, NM_001281494.2); short protein forms S702L, S400L, S572L.
Identifiers: ClinVar variation 141078 (VCV000141078.13), dbSNP rs63751419, ClinGen allele CA009694.

ClinVar aggregate classification (germline): Uncertain significance. Review status: criteria provided, multiple submitters, no conflicts (2 of 4 stars). 3 submissions from 3 submitters: Uncertain significance (2). 1 of the submissions does not count toward it. Last evaluated 2022-10-08.

Conditions:
MSH6-related disorder. Also called: MSH6-related condition; MSH6-Related disorders.
Hereditary nonpolyposis colorectal neoplasms. Identifiers: MedGen C0009405, MeSH D003123.
Hereditary cancer-predisposing syndrome. Also called: Neoplastic Syndromes, Hereditary; Tumor predisposition; Hereditary Cancer Syndrome; Hereditary neoplastic syndrome. Identifiers: Orphanet 140162, MedGen C0027672, MeSH D009386, MONDO:0015356.

Submissions (3):

Ambry Genetics
Classification: Uncertain significance for Hereditary cancer-predisposing syndrome. Last evaluated: 2022-10-08. Review status: criteria provided, single submitter. Criteria: Ambry Variant Classification Scheme 2023. Collection method: clinical testing. Allele origin: germline.
Comment: The p.S702L variant (also known as c.2105C>T), located in coding exon 4 of the MSH6 gene, results from a C to T substitution at nucleotide position 2105. The serine at codon 702 is replaced by leucine, an amino acid with dissimilar properties. This amino acid position is highly conserved in available vertebrate species. In addition, this alteration is predicted to be deleterious by in silico analysis. Since supporting evidence is limited at this time, the clinical significance of this alteration remains unclear.

Labcorp Genetics (formerly Invitae), Labcorp
Classification: Uncertain significance for Hereditary nonpolyposis colorectal neoplasms. Last evaluated: 2021-11-15. Review status: criteria provided, single submitter. Criteria: Invitae Variant Classification Sherloc (09022015). Collection method: clinical testing. Allele origin: germline.
Comment: This variant has not been reported in the literature in individuals affected with MSH6-related conditions. In summary, the available evidence is currently insufficient to determine the role of this variant in disease. Therefore, it has been classified as a Variant of Uncertain Significance. Advanced modeling of protein sequence and biophysical properties (such as structural, functional, and spatial information, amino acid conservation, physicochemical variation, residue mobility, and thermodynamic stability) performed at Invitae indicates that this missense variant is expected to disrupt MSH6 protein function. ClinVar contains an entry for this variant (Variation ID: 141078). This variant is not present in population databases (gnomAD no frequency). This sequence change replaces serine, which is neutral and polar, with leucine, which is neutral and non-polar, at codon 702 of the MSH6 protein (p.Ser702Leu).

PreventionGenetics, part of Exact Sciences
Classification: Uncertain significance for MSH6-related condition. Last evaluated: 2024-01-09. Review status: no assertion criteria provided. Collection method: clinical testing. Allele origin: germline. Not counted in ClinVar's aggregate classification.
Comment: The MSH6 c.2105C>T variant is predicted to result in the amino acid substitution p.Ser702Leu. To our knowledge, this variant has not been reported in the literature or in a large population database, indicating this variant is rare. At this time, the clinical significance of this variant is uncertain due to the absence of conclusive functional and genetic evidence.